The following is an entry in ClinVar:

NM_001164508.2(NEB):c.11458del (p.Asp3820fs)

Gene: NEB (nebulin; minus strand). Cytogenetic location: 2q23.3.
Variant type: Deletion.
Coding change: c.11458del on transcript NM_001164508.2 (MANE Select); coding-DNA position 11458, one base deleted (G; older notation c.11458delG).
Protein change: p.Asp3820fs; shifts the reading frame from aspartic acid 3820.
Molecular consequence: frameshift variant.
Genome position (GRCh38, 1-based): chr2:151,614,419, C deleted on the plus strand (G on the coding strand, the reverse complement: NEB is on the minus strand); the first of 2 consecutive C bases (chr2:151,614,419-151,614,420); deleting either gives the same sequence. VCF-style (leftmost placement, unchanged base first): chr2-151614418-TC-T. GRCh37 (hg19) VCF-style: chr2-152470932-TC-T.
Other names: c.11458del, p.Asp3820fs (NM_001164507.2, NM_001271208.2); c.10729del, p.Asp3577fs (NM_004543.5); short protein forms D3577fs, D3820fs.
Identifiers: ClinVar variation 3643272 (VCV003643272.2).
Genomic context (GRCh38, chr2:151,614,418, plus strand): 5'-TTGTAGTCTATGTCGCTTACAAGGATCTGACACTTCTTGGCCAGCACCACCCCCAGCATG[TC>T]CACTGGGCTGCTGAACTTGGTCTTCCACTTCTCAAACTCCTTCTTGTACTCCCTGTCACT-3'

ClinVar aggregate classification (germline): Pathogenic (1 of 4 stars; one submission).

Conditions:
Nemaline myopathy 2 (NEM2). Also called: Nemaline myopathy 2, autosomal recessive. Identifiers: MedGen C1850569, MONDO:0009725, OMIM 256030.

Submission:

Labcorp Genetics (formerly Invitae), Labcorp
Classification: Pathogenic for Nemaline myopathy 2. Last evaluated: 2024-02-25. Review status: criteria provided, single submitter. Criteria: Invitae Variant Classification Sherloc (09022015). Collection method: clinical testing. Allele origin: germline.
Comment: This sequence change creates a premature translational stop signal (p.Asp3820Thrfs*15) in the NEB gene. It is expected to result in an absent or disrupted protein product. Loss-of-function variants in NEB are known to be pathogenic (PMID: 25205138). This variant is not present in population databases (gnomAD no frequency). This variant has not been reported in the literature in individuals affected with NEB-related conditions. For these reasons, this variant has been classified as Pathogenic.

Literature cited by the submitters: PubMed 25205138.